The following is an entry in ClinVar:

ClinVar aggregate classification (germline): Likely pathogenic (1 of 4 stars; one submission).

Conditions:
Hereditary pancreatitis (PCTT). Also called: Hereditary chronic pancreatitis; PRSS1-Related Hereditary Pancreatitis. Identifiers: Orphanet 676, MedGen C0238339, MONDO:0008185, OMIM 167800.

Submission:

Ambry Genetics
Classification: Likely pathogenic for Hereditary pancreatitis. Last evaluated: 2022-02-10. Review status: criteria provided, single submitter. Criteria: Ambry Variant Classification Scheme 2023. Collection method: clinical testing. Allele origin: germline.
Comment: The p.M1? variant (also known as c.2T>C) is located in coding exon 1 of the CTRC gene and results from a T to C substitution at nucleotide position 2. This alters the methionine residue at the initiation codon (ATG). This amino acid position is highly conserved in available vertebrate species. Sequence variations that modify the initiation codon are expected to result in either loss of translation initiation, N-terminal truncation, or cause a shift in the mRNA reading frame. Based on the majority of available evidence to date, this variant is likely to be pathogenic.

NM_007272.3(CTRC):c.2T>C (p.Met1Thr)

Gene: CTRC (chymotrypsin C; plus strand). Cytogenetic location: 1p36.21.
Variant type: single nucleotide variant.
Coding change: c.2T>C on transcript NM_007272.3 (MANE Select); coding-DNA position 2, T replaced by C.
Protein change: p.Met1Thr; changes the start codon (methionine 1).
Molecular consequence: missense variant, initiator codon variant.
Genome position (GRCh38, 1-based): chr1:15,438,466, T>C. VCF-style: chr1-15438466-T-C. GRCh37 (hg19) VCF-style: chr1-15764962-T-C.
Other names: short protein forms M1T.
Identifiers: ClinVar variation 1798675 (VCV001798675.3), dbSNP rs1455019932, ClinGen allele CA338563491.
Genomic context (GRCh38, chr1:15,438,466, plus strand): 5'-CCTGCCTATAAGTGTGCCCCAGCCCATCCCGATGGTCAGCCAGTCCTGAGCACCTAACCA[T>C]GTTGGGCATCACTGTCCTCGCTGCGCTCTTGGCCTGTGGTAAGCGGTGGGGTGGGGCTGC-3'
Protein context (NP_009203.2, residues 1-11): [Met1Thr]LGITVLAALL